The following is an entry in ClinVar:

ClinVar aggregate classification (germline): Likely benign (1 of 4 stars; one submission).

Submission:

CeGaT Center for Human Genetics Tuebingen
Classification: Likely benign. Last evaluated: 2025-08-01. Review status: criteria provided, single submitter. Criteria: CeGaT Center For Human Genetics Tuebingen Variant Classification Criteria Version 2. Collection method: clinical testing. Allele origin: germline. Affected: yes. Observed: 1 variant allele.
Comment: SPATA1: BP4, BP7

NM_001397487.1(SPATA1):c.948C>T (p.Ala316=)

Gene: SPATA1 (spermatogenesis associated 1; plus strand). Cytogenetic location: 1p22.3.
Variant type: single nucleotide variant.
Coding change: c.948C>T on transcript NM_001397487.1 (MANE Select); coding-DNA position 948, C replaced by T.
Protein change: p.Ala316=; no amino-acid change (alanine 316 retained).
Molecular consequence: synonymous variant.
Genome position (GRCh38, 1-based): chr1:84,548,787, C>T. VCF-style: chr1-84548787-C-T. GRCh37 (hg19) VCF-style: chr1-85014470-C-T.
Other names: c.948C>T, p.Ala316= (NM_001310156.2).
Identifiers: ClinVar variation 4085925 (VCV004085925.8).